The following is an entry in ClinVar:

NM_001458.5(FLNC):c.1899G>A (p.Thr633=)

Gene: FLNC (filamin C; plus strand). Cytogenetic location: 7q32.1.
Variant type: single nucleotide variant.
Coding change: c.1899G>A on transcript NM_001458.5 (MANE Select); coding-DNA position 1899, G replaced by A.
Protein change: p.Thr633=; no amino-acid change (threonine 633 retained).
Molecular consequence: synonymous variant.
Genome position (GRCh38, 1-based): chr7:128,841,255, G>A. VCF-style: chr7-128841255-G-A. GRCh37 (hg19) VCF-style: chr7-128481309-G-A.
Other names: c.1899G>A, p.Thr633= (NM_001127487.2).
Identifiers: ClinVar variation 842264 (VCV000842264.15), dbSNP rs553903798, ClinGen allele CA4474526.

ClinVar aggregate classification (germline): Benign/Likely benign. Review status: criteria provided, multiple submitters, no conflicts (2 of 4 stars). 5 submissions from 5 submitters: Benign (1); Likely benign (4). Last evaluated 2025-11-25.

Conditions:
Hypertrophic cardiomyopathy 26. Also called: Cardiomyopathy, familial hypertrophic, 26. Identifiers: Orphanet 75249, MedGen C4310749, MONDO:0014883, OMIM 617047.
Distal myopathy with posterior leg and anterior hand involvement. Also called: WILLIAMS DISTAL MYOPATHY. Identifiers: Orphanet 63273, MedGen C3279722, MONDO:0013550, OMIM 614065.
Myofibrillar myopathy 5. Also called: FILAMINOPATHY, AUTOSOMAL DOMINANT; Filaminopathy (type). Identifiers: Orphanet 171445, MedGen C1836050, MONDO:0012289, OMIM 609524.
FLNC-related disorder. Also called: FLNC-related condition; FLNC-related disorders.
Cardiovascular phenotype. Identifiers: MedGen CN230736.

Allele frequency attached by ClinVar (database versions not stated): gnomAD 0.00001 and 0.00003; gnomAD exomes 0.00001; ExAC 0.00002; TOPMed 0.00002; 1000 Genomes Project 30x 0.00016; 1000 Genomes Project 0.00020.
gnomAD v4.1: 25 of 1,614,084 alleles (0.0015%); highest among the groups gnomAD compares: South Asian, 0.0055%; no homozygotes.

Submissions (5):

Labcorp Genetics (formerly Invitae), Labcorp
Classification: Benign for Distal myopathy with posterior leg and anterior hand involvement; Myofibrillar myopathy 5; Hypertrophic cardiomyopathy 26. Last evaluated: 2025-11-25. Review status: criteria provided, single submitter. Criteria: Invitae Variant Classification Sherloc (09022015). Collection method: clinical testing. Allele origin: germline.

Women's Health and Genetics/Laboratory Corporation of America, LabCorp
Classification: Likely benign. Last evaluated: 2025-07-16. Review status: criteria provided, single submitter. Criteria: LabCorp Variant Classification Summary - May 2015. Collection method: clinical testing. Allele origin: germline.

PreventionGenetics, part of Exact Sciences
Classification: Likely benign for FLNC-related condition. Last evaluated: 2025-03-20. Review status: criteria provided, single submitter. Criteria: ACMG Guidelines, 2015. Collection method: clinical testing. Allele origin: germline.
Comment: This variant is classified as likely benign based on ACMG/AMP sequence variant interpretation guidelines (Richards et al. 2015 PMID: 25741868, with internal and published modifications).

GeneDx
Classification: Likely benign. Last evaluated: 2020-11-30. Review status: criteria provided, single submitter. Criteria: GeneDx Variant Classification Process June 2021. Collection method: clinical testing. Allele origin: germline. Affected: yes.

Ambry Genetics
Classification: Likely benign for Cardiovascular phenotype. Last evaluated: 2019-08-30. Review status: criteria provided, single submitter. Criteria: Ambry Variant Classification Scheme 2023. Collection method: clinical testing. Allele origin: germline.